The following is an entry in ClinVar:

NM_000302.4(PLOD1):c.1878G>C (p.Lys626Asn)

Gene: PLOD1 (procollagen-lysine,2-oxoglutarate 5-dioxygenase 1; plus strand). Cytogenetic location: 1p36.22.
Variant type: single nucleotide variant.
Coding change: c.1878G>C on transcript NM_000302.4 (MANE Select); coding-DNA position 1878, G replaced by C.
Protein change: p.Lys626Asn; replaces lysine 626 with asparagine.
Molecular consequence: missense variant.
Genome position (GRCh38, 1-based): chr1:11,970,792, G>C. VCF-style: chr1-11970792-G-C. GRCh37 (hg19) VCF-style: chr1-12030849-G-C.
Other names: c.2019G>C, p.Lys673Asn (NM_001316320.2); short protein forms K673N, K626N.
Identifiers: ClinVar variation 4824024 (VCV004824024.1).

ClinVar aggregate classification (germline): Uncertain significance (1 of 4 stars; one submission).

Conditions:
Familial thoracic aortic aneurysm and aortic dissection (TAAD). Also called: Thoracic aortic aneurysms and dissections. Identifiers: Orphanet 91387, MedGen C4707243, MONDO:0019625.

gnomAD v4.1: 2 of 1,608,612 alleles (0.00012%); highest among the groups gnomAD compares: Non-Finnish European, 0.00017%; no homozygotes.

Submission:

Ambry Genetics
Classification: Uncertain significance for Familial thoracic aortic aneurysm and aortic dissection. Last evaluated: 2026-02-14. Review status: criteria provided, single submitter. Criteria: Ambry Variant Classification Scheme 2023. Collection method: clinical testing. Allele origin: germline.
Comment: The p.K626N variant (also known as c.1878G>C), located in coding exon 17 of the PLOD1 gene, results from a G to C substitution at nucleotide position 1878. The lysine at codon 626 is replaced by asparagine, an amino acid with similar properties. This amino acid position is conserved. In addition, this alteration is predicted to be tolerated by in silico analysis. Based on the available evidence, the clinical significance of this variant remains unclear.